The following is an entry in ClinVar:

NM_002979.5(SCP2):c.433G>C (p.Asp145His)

Gene: SCP2 (sterol carrier protein 2; plus strand). Cytogenetic location: 1p32.3.
Variant type: single nucleotide variant.
Coding change: c.433G>C on transcript NM_002979.5 (MANE Select); coding-DNA position 433, G replaced by C.
Protein change: p.Asp145His; replaces aspartic acid 145 with histidine.
Molecular consequence: missense variant.
Genome position (GRCh38, 1-based): chr1:52,961,539, G>C. VCF-style: chr1-52961539-G-C. GRCh37 (hg19) VCF-style: chr1-53427211-G-C.
Other names: c.301G>C, p.Asp101His (NM_001007098.3, NM_001193600.2); c.361G>C, p.Asp121His (NM_001193599.2); c.190G>C, p.Asp64His (NM_001193617.2); c.433G>C, p.Asp145His (NM_001330587.2); short protein forms D145H, D121H, D64H, D101H.
Identifiers: ClinVar variation 2005436 (VCV002005436.4), dbSNP rs768389997, ClinGen allele CA857115.

ClinVar aggregate classification (germline): Uncertain significance (1 of 4 stars; one submission).

Allele frequency attached by ClinVar (database versions not stated): gnomAD exomes below 0.00001; ExAC 0.00001.
gnomAD v4.1: 2 of 1,613,768 alleles (0.00012%); highest among the groups gnomAD compares: Admixed American, 0.0033%; no homozygotes.

Submission:

Labcorp Genetics (formerly Invitae), Labcorp
Classification: Uncertain significance. Last evaluated: 2022-06-13. Review status: criteria provided, single submitter. Criteria: Invitae Variant Classification Sherloc (09022015). Collection method: clinical testing. Allele origin: germline.
Comment: In summary, the available evidence is currently insufficient to determine the role of this variant in disease. Therefore, it has been classified as a Variant of Uncertain Significance. Algorithms developed to predict the effect of missense changes on protein structure and function are either unavailable or do not agree on the potential impact of this missense change (SIFT: "Deleterious"; PolyPhen-2: "Possibly Damaging"; Align-GVGD: "Class C0"). This variant has not been reported in the literature in individuals affected with SCP2-related conditions. This variant is present in population databases (rs768389997, gnomAD no frequency). This sequence change replaces aspartic acid, which is acidic and polar, with histidine, which is basic and polar, at codon 145 of the SCP2 protein (p.Asp145His).